The following is an entry in ClinVar:

ClinVar aggregate classification (germline): Likely pathogenic (1 of 4 stars; one submission).

Conditions:
Hereditary spastic paraplegia 3A (SPG3A). Also called: SPASTIC PARAPLEGIA 3, AUTOSOMAL DOMINANT; FAMILIAL SPASTIC PARAPLEGIA, AUTOSOMAL DOMINANT, 1; SPG3; STRUMPELL DISEASE; Spastic Paraplegia 3A; Spastic paraplegia 3A, autosomal dominant. Identifiers: Orphanet 100984, MedGen C2931355, MONDO:0008437, OMIM 182600.

Submission:

Labcorp Genetics (formerly Invitae), Labcorp
Classification: Likely pathogenic for Hereditary spastic paraplegia 3A. Last evaluated: 2020-09-25. Review status: criteria provided, single submitter. Criteria: Invitae Variant Classification Sherloc (09022015). Collection method: clinical testing. Allele origin: germline.
Comment: This variant has been observed in individual(s) with hereditary spastic paraplegia (PMID: 29980238). It has also been observed to segregate with disease in related individuals. In summary, the currently available evidence indicates that the variant is pathogenic, but additional data are needed to prove that conclusively. Therefore, this variant has been classified as Likely Pathogenic. This variant disrupts the p.Ala350 amino acid residue in ATL1. Other variant(s) that disrupt this residue have been determined to be pathogenic (Invitae). This suggests that this residue is clinically significant, and that variants that disrupt this residue are likely to be disease-causing. Algorithms developed to predict the effect of sequence changes on RNA splicing suggest that this variant may disrupt the consensus splice site, but this prediction has not been confirmed by published transcriptional studies. Algorithms developed to predict the effect of missense changes on protein structure and function (SIFT, PolyPhen-2, Align-GVGD) all suggest that this variant is likely to be disruptive, but these predictions have not been confirmed by published functional studies and their clinical significance is uncertain. This variant is not present in population databases (ExAC no frequency). This sequence change replaces alanine with serine at codon 350 of the ATL1 protein (p.Ala350Ser). The alanine residue is highly conserved and there is a moderate physicochemical difference between alanine and serine.

Literature cited by the submitters: PubMed 29980238.

NM_015915.5(ATL1):c.1048G>T (p.Ala350Ser)

Gene: ATL1 (atlastin GTPase 1; plus strand). Cytogenetic location: 14q22.1.
Variant type: single nucleotide variant.
Coding change: c.1048G>T on transcript NM_015915.5 (MANE Select); coding-DNA position 1048, G replaced by T.
Protein change: p.Ala350Ser; replaces alanine 350 with serine.
Molecular consequence: missense variant.
Genome position (GRCh38, 1-based): chr14:50,623,177, G>T. VCF-style: chr14-50623177-G-T. GRCh37 (hg19) VCF-style: chr14-51089895-G-T.
Other names: c.1048G>T, p.Ala350Ser (NM_001127713.1, NM_181598.4); short protein forms A350S.
Identifiers: ClinVar variation 1068421 (VCV001068421.9), dbSNP rs1595621292, ClinGen allele CA389674100.